The following is an entry in ClinVar:

ClinVar aggregate classification (germline): Pathogenic. Review status: criteria provided, multiple submitters, no conflicts (2 of 4 stars). 3 submissions from 3 submitters: Pathogenic (3). Last evaluated 2025-04-08.

gnomAD v4.1: 3 of 1,613,718 alleles (0.00019%); highest among the groups gnomAD compares: Non-Finnish European, 0.00025%; no homozygotes.

Submissions (3):

Labcorp Genetics (formerly Invitae), Labcorp
Classification: Pathogenic. Last evaluated: 2025-04-08. Review status: criteria provided, single submitter. Criteria: Invitae Variant Classification Sherloc (09022015). Collection method: clinical testing. Allele origin: germline.
Comment: This sequence change creates a premature translational stop signal (p.Arg374*) in the SPTA1 gene. It is expected to result in an absent or disrupted protein product. Loss-of-function variants in SPTA1 are known to be pathogenic (PMID: 9192783, 18815189, 31333484, 31723846, 32266426). This variant is not present in population databases (gnomAD no frequency). This premature translational stop signal has been observed in individual(s) with spherocytosis and ellipsocytosis (PMID: 31333484). ClinVar contains an entry for this variant (Variation ID: 2438367). For these reasons, this variant has been classified as Pathogenic.

Mayo Clinic Laboratories, Mayo Clinic
Classification: Pathogenic. Last evaluated: 2025-02-04. Review status: criteria provided, single submitter. Criteria: ACMG Guidelines, 2015. Collection method: clinical testing. Allele origin: germline. Observed: 2 variant alleles.
Comment: PM2_moderate, PM3, PVS1

Revvity Omics, Revvity
Classification: Pathogenic. Last evaluated: 2024-06-07. Review status: criteria provided, single submitter. Criteria: ACMG Guidelines, 2015. Collection method: clinical testing. Allele origin: germline.

Literature cited by the submitters: PubMed 9192783 (cited by Labcorp Genetics (formerly Invitae), Labcorp); PubMed 18815189 (cited by Labcorp Genetics (formerly Invitae), Labcorp); PubMed 31333484 (cited by Labcorp Genetics (formerly Invitae), Labcorp and Mayo Clinic Laboratories, Mayo Clinic); PubMed 31723846 (cited by Labcorp Genetics (formerly Invitae), Labcorp); PubMed 32266426 (cited by Labcorp Genetics (formerly Invitae), Labcorp); PubMed 34426522 (cited by Mayo Clinic Laboratories, Mayo Clinic).

NM_003126.4(SPTA1):c.1120C>T (p.Arg374Ter)

Gene: SPTA1 (spectrin alpha, erythrocytic 1; minus strand). Cytogenetic location: 1q23.1.
Variant type: single nucleotide variant.
Coding change: c.1120C>T on transcript NM_003126.4 (MANE Select); coding-DNA position 1120, C replaced by T.
Protein change: p.Arg374Ter; replaces arginine 374 with a stop codon.
Molecular consequence: nonsense.
Genome position (GRCh38, 1-based): chr1:158,674,668, G>A on the plus strand (C>T on the coding strand, the complement: SPTA1 is on the minus strand). VCF-style: chr1-158674668-G-A. GRCh37 (hg19) VCF-style: chr1-158644458-G-A.
Other names: p.Arg374*; short protein forms R374*.
Identifiers: ClinVar variation 2438367 (VCV002438367.6), dbSNP rs1354777824, ClinGen allele CA343016618.